The following is an entry in ClinVar:

NM_000157.4(GBA1):c.1051T>C (p.Trp351Arg)

Genes: GBA1 (glucosylceramidase beta 1; minus strand), LOC106627981 (GBA recombination region; plus strand). Cytogenetic location: 1q22.
Variant type: single nucleotide variant.
Coding change: c.1051T>C on transcript NM_000157.4 (MANE Select); coding-DNA position 1051, T replaced by C.
Protein change: p.Trp351Arg; replaces tryptophan 351 with arginine.
Molecular consequence: missense variant.
Genome position (GRCh38, 1-based): chr1:155,236,418, A>G on the plus strand (T>C on the coding strand, the complement: GBA1 is on the minus strand). VCF-style: chr1-155236418-A-G. GRCh37 (hg19) VCF-style: chr1-155206209-A-G.
Other names: c.1051T>C, p.Trp351Arg (NM_001005742.3, NM_001005741.3); c.790T>C, p.Trp264Arg (NM_001171811.2); c.904T>C, p.Trp302Arg (NM_001171812.2); short protein forms W264R, W302R, W351R.
Identifiers: ClinVar variation 4817662 (VCV004817662.1).
Genomic context (GRCh38, chr1:155,236,418, plus strand): 5'-GGAACAGGCGGTGTGTCTCCCCTAGGGTGGCTTTGGCTGGAGCCAGAAAGTCCAGGTACC[A>G]ATGTACAGCAATGCCATGAACATATTTAGCTGCTTCTGGGTCTGTCAGTACCTGCAAAGG-3'
Protein context (NP_000148.2, residues 341-361): AKYVHGIAVH[Trp351Arg]YLDFLAPAKA

ClinVar aggregate classification (germline): Pathogenic (1 of 4 stars; one submission).

Conditions:
Gaucher disease. Also called: Acute cerebral Gaucher disease; Cerebroside lipidosis syndrome; Gaucher splenomegaly; Sphingolipidosis 1; Glucocerebrosidosis; Glucosylceramidase deficiency. Identifiers: Orphanet 355, MedGen C0017205, MONDO:0018150.

Submission:

Natera, Inc.
Classification: Pathogenic for Gaucher disease. Last evaluated: 2026-01-22. Review status: criteria provided, single submitter. Criteria: Natera Variant Classification Schema (03/2026). Collection method: clinical testing. Allele origin: germline.
Comment: The c.1051T>C variant in GBA1 is a missense variant predicted to cause substitution of tryptophan to arginine at amino acid 351. This variant is rare in the general population with a frequency below the threshold expected for the associated phenotype(s). This variant has been observed in one or more individuals affected with the associated recessive disease, as either homozygous or compound heterozygous with a second variant (PMID: 17427031). Another variant at this same site results in an alteration predicted to cause a similar molecular effect has been observed in individual(s) with the associated phenotype. A different variant at the same position has been determined to be Pathogenic or Likely Pathogenic. Computational prediction algorithms indicate this variant is likely to affect gene or protein function. Given the available evidence, this variant is classified as Pathogenic.

Literature cited by the submitters: PubMed 17427031.